The following is an entry in ClinVar:

NM_001384732.1(CPLANE1):c.6511C>T (p.Arg2171Trp)

Gene: CPLANE1 (ciliogenesis and planar polarity effector complex subunit 1; minus strand). Cytogenetic location: 5p13.2.
Variant type: single nucleotide variant.
Coding change: c.6511C>T on transcript NM_001384732.1 (MANE Select); coding-DNA position 6511, C replaced by T.
Protein change: p.Arg2171Trp; replaces arginine 2171 with tryptophan.
Molecular consequence: missense variant.
Genome position (GRCh38, 1-based): chr5:37,169,513, G>A on the plus strand (C>T on the coding strand, the complement: CPLANE1 is on the minus strand). VCF-style: chr5-37169513-G-A. GRCh37 (hg19) VCF-style: chr5-37169615-G-A.
Other names: c.6511C>T, p.Arg2171Trp (NM_023073.4); short protein forms R2171W.
Identifiers: ClinVar variation 1427851 (VCV001427851.7), dbSNP rs371324866, ClinGen allele CA3238230.

ClinVar aggregate classification (germline): Uncertain significance. Review status: criteria provided, multiple submitters, no conflicts (2 of 4 stars). 3 submissions from 3 submitters: Uncertain significance (2). 1 of the submissions does not count toward it. Last evaluated 2024-01-03.

Conditions:
CPLANE1-related disorder. Also called: CPLANE1-related condition.
Joubert syndrome 17 (JBTS17). Identifiers: Orphanet 475, MedGen C3553264, MONDO:0013824, OMIM 614615.
Orofaciodigital syndrome type 6 (OFD6). Also called: Oral-facial-digital syndrome type 6; Central polydactyly cleft lip/palate or lingual lump and psychomotor retardation; Y-shaped central metacarpal and cerebellar defect; Joubert syndrome with orofacialdigital anomalies; OROFACIODIGITAL SYNDROME VI; OFDS VI. Identifiers: Orphanet 2754, MedGen C2745997, MONDO:0010176, OMIM 277170.

Allele frequency attached by ClinVar (database versions not stated): gnomAD 0.00002 and 0.00003; ExAC 0.00003; gnomAD exomes 0.00004; TOPMed 0.00004; ESP Exome Variant Server 0.00031.

Submissions (3):

Fulgent Genetics
Classification: Uncertain significance for Orofaciodigital syndrome type 6; Joubert syndrome 17. Last evaluated: 2024-01-03. Review status: criteria provided, single submitter. Criteria: ACMG Guidelines, 2015. Collection method: clinical testing. Allele origin: germline.

Labcorp Genetics (formerly Invitae), Labcorp
Classification: Uncertain significance. Last evaluated: 2022-07-05. Review status: criteria provided, single submitter. Criteria: Invitae Variant Classification Sherloc (09022015). Collection method: clinical testing. Allele origin: germline.
Comment: ClinVar contains an entry for this variant (Variation ID: 1427851). This variant has not been reported in the literature in individuals affected with CPLANE1-related conditions. This variant is present in population databases (rs371324866, gnomAD 0.03%). This sequence change replaces arginine, which is basic and polar, with tryptophan, which is neutral and slightly polar, at codon 2171 of the CPLANE1 protein (p.Arg2171Trp). Advanced modeling of protein sequence and biophysical properties (such as structural, functional, and spatial information, amino acid conservation, physicochemical variation, residue mobility, and thermodynamic stability) performed at Invitae indicates that this missense variant is not expected to disrupt CPLANE1 protein function. In summary, the available evidence is currently insufficient to determine the role of this variant in disease. Therefore, it has been classified as a Variant of Uncertain Significance.

PreventionGenetics, part of Exact Sciences
Classification: Uncertain significance for CPLANE1-related condition. Last evaluated: 2024-07-26. Review status: no assertion criteria provided. Collection method: clinical testing. Allele origin: germline. Not counted in ClinVar's aggregate classification.
Comment: The CPLANE1 c.6511C>T variant is predicted to result in the amino acid substitution p.Arg2171Trp. To our knowledge, this variant has not been reported in the literature. This variant is reported in 0.025% of alleles in individuals of African descent in gnomAD. At this time, the clinical significance of this variant is uncertain due to the absence of conclusive functional and genetic evidence.